The following is an entry in ClinVar:

NM_025009.5(CEP135):c.226G>A (p.Ala76Thr)

Gene: CEP135 (centrosomal protein 135; plus strand). Cytogenetic location: 4q12.
Variant type: single nucleotide variant.
Coding change: c.226G>A on transcript NM_025009.5 (MANE Select); coding-DNA position 226, G replaced by A.
Protein change: p.Ala76Thr; replaces alanine 76 with threonine.
Molecular consequence: missense variant.
Genome position (GRCh38, 1-based): chr4:55,953,197, G>A. VCF-style: chr4-55953197-G-A. GRCh37 (hg19) VCF-style: chr4-56819363-G-A.
Other names: short protein forms A76T.
Identifiers: ClinVar variation 2411671 (VCV002411671.2), dbSNP rs148139786, ClinGen allele CA2927487.

ClinVar aggregate classification (germline): Uncertain significance (1 of 4 stars; one submission).

Conditions:
Inborn genetic diseases. Identifiers: MedGen C0950123, MeSH D030342.

Allele frequency attached by ClinVar (database versions not stated): gnomAD exomes 0.00001; ExAC 0.00003; gnomAD 0.00009; TOPMed 0.00015; ESP Exome Variant Server 0.00023.

Submission:

Ambry Genetics
Classification: Uncertain significance for Inborn genetic diseases. Last evaluated: 2021-01-06. Review status: criteria provided, single submitter. Criteria: Ambry Variant Classification Scheme 2023. Collection method: clinical testing. Allele origin: germline.
Comment: The c.226G>A (p.A76T) alteration is located in exon 3 (coding exon 2) of the CEP135 gene. This alteration results from a G to A substitution at nucleotide position 226, causing the alanine (A) at amino acid position 76 to be replaced by a threonine (T). The p.A76T alteration is predicted to be tolerated by in silico analysis. Based on insufficient or conflicting evidence, the clinical significance of this alteration remains unclear.